The following is an entry in ClinVar:

ClinVar aggregate classification (germline): Uncertain significance (1 of 4 stars; one submission).

Conditions:
Inborn genetic diseases. Identifiers: MedGen C0950123, MeSH D030342.

Submission:

Ambry Genetics
Classification: Uncertain significance for Inborn genetic diseases. Last evaluated: 2026-06-02. Review status: criteria provided, single submitter. Criteria: Ambry Variant Classification Scheme 2023. Collection method: clinical testing. Allele origin: germline.
Comment: The p.D338N variant (also known as c.1012G>A), located in coding exon 12 of the FANCA gene, results from a G to A substitution at nucleotide position 1012. The aspartic acid at codon 338 is replaced by asparagine, an amino acid with highly similar properties. This amino acid position is conserved. In addition, this alteration is predicted to be tolerated by in silico analysis. Based on the available evidence, the clinical significance of this variant remains unclear.

NM_000135.4(FANCA):c.1012G>A (p.Asp338Asn)

Gene: FANCA (FA complementation group A; minus strand). Cytogenetic location: 16q24.3.
Variant type: single nucleotide variant.
Coding change: c.1012G>A on transcript NM_000135.4 (MANE Select); coding-DNA position 1012, G replaced by A.
Protein change: p.Asp338Asn; replaces aspartic acid 338 with asparagine.
Molecular consequence: missense variant.
Genome position (GRCh38, 1-based): chr16:89,792,542, C>T on the plus strand (G>A on the coding strand, the complement: FANCA is on the minus strand). VCF-style: chr16-89792542-C-T. GRCh37 (hg19) VCF-style: chr16-89858950-C-T.
Other names: c.1012G>A, p.Asp338Asn (NM_001286167.3); short protein forms D338N.
Identifiers: ClinVar variation 4870899 (VCV004870899.1).
Genomic context (GRCh38, chr16:89,792,542, plus strand): 5'-GTGAGGTGAGCAGAGGGTGTGTCCGCGCAAAGCTCCACTCTCTCTGCATCTGAACAGCAT[C>T]AGATGCTGCAGGGGGAGAAACAGACAAAAACTTCAAGTCAGAGATCAAAAAGTTGTGGGT-3'
Protein context (NP_000126.2, residues 328-348): LTHSPVLKAS[Asp338Asn]AVQMQREWSF